The following is an entry in ClinVar:

NM_000313.4(PROS1):c.257T>C (p.Leu86Ser)

Gene: PROS1 (protein S; minus strand). Cytogenetic location: 3q11.1.
Variant type: single nucleotide variant.
Coding change: c.257T>C on transcript NM_000313.4 (MANE Select); coding-DNA position 257, T replaced by C.
Protein change: p.Leu86Ser; replaces leucine 86 with serine.
Molecular consequence: missense variant.
Genome position (GRCh38, 1-based): chr3:93,924,242, A>G on the plus strand (T>C on the coding strand, the complement: PROS1 is on the minus strand). VCF-style: chr3-93924242-A-G. GRCh37 (hg19) VCF-style: chr3-93643086-A-G.
Other names: c.353T>C, p.Leu118Ser (NM_001314077.2); short protein forms L118S, L86S.
Identifiers: ClinVar variation 4529456 (VCV004529456.1).
Genomic context (GRCh38, chr3:93,924,242, plus strand): 5'-ACATATCTAAGTTCCCTTCCATTTCTAAGATTATATAATTGAGATGTTTTGAACTTACCT[A>G]AGTATTTTGGATAAAAATAATCCTAGAAAGAAGAAAAAGAAAACATATCTTAGCAAACCT-3'
Protein context (NP_000304.2, residues 76-96): PETDYFYPKY[Leu86Ser]VCLRSFQTGL

ClinVar aggregate classification (germline): Uncertain significance (0 of 4 stars; one submission).

Conditions:
Thrombophilia due to protein S deficiency, autosomal dominant (THPH5). Identifiers: Orphanet 26349, Orphanet 743, MedGen C3278211, MONDO:0012868, OMIM 612336. Disease mechanism: loss of function.

Submission:

Department of Transfusion Medicine and Hemostaseology, University Hospital Erlangen
Classification: Uncertain significance for Thrombophilia due to protein S deficiency, autosomal dominant. Last evaluated: 2025-09-01. Review status: no assertion criteria provided. Collection method: clinical testing. Allele origin: germline.
Comment: This variant was identified during a screening of patients with suspected hereditary Protein S deficiency. Currently, no literature is available describing this variant and it is not listed in any public population database. While PolyPhen-2 and SIFT classify this variant as likely pathogenic, it is classified as likely benign by AlphaMissense. Taken together we classified this variant as of uncertain significance.